The following is an entry in ClinVar:

NM_004360.5(CDH1):c.1666G>T (p.Val556Leu)

Gene: CDH1 (cadherin 1; plus strand). Cytogenetic location: 16q22.1.
Variant type: single nucleotide variant.
Coding change: c.1666G>T on transcript NM_004360.5 (MANE Select); coding-DNA position 1666, G replaced by T.
Protein change: p.Val556Leu; replaces valine 556 with leucine.
Molecular consequence: missense variant. On other transcripts: intron variant (1).
Genome position (GRCh38, 1-based): chr16:68,819,380, G>T. VCF-style: chr16-68819380-G-T. GRCh37 (hg19) VCF-style: chr16-68853283-G-T.
Other names: c.1483G>T, p.Val495Leu (NM_001317184.2); c.118G>T, p.Val40Leu (NM_001317185.2); c.-254-2621G>T (NM_001317186.2); short protein forms V40L, V495L, V556L.
Identifiers: ClinVar variation 3488678 (VCV003488678.1).

ClinVar aggregate classification (germline): Uncertain significance (1 of 4 stars; one submission).

Conditions:
Hereditary cancer-predisposing syndrome. Also called: Tumor predisposition; Neoplastic Syndromes, Hereditary; Hereditary Cancer Syndrome; Hereditary neoplastic syndrome. Identifiers: Orphanet 140162, MedGen C0027672, MeSH D009386, MONDO:0015356.

Submission:

Ambry Genetics
Classification: Uncertain significance for Hereditary cancer-predisposing syndrome. Last evaluated: 2024-12-02. Review status: criteria provided, single submitter. Criteria: Ambry Variant Classification Scheme 2023. Collection method: clinical testing. Allele origin: germline.
Comment: The p.V556L variant (also known as c.1666G>T), located in coding exon 11 of the CDH1 gene, results from a G to T substitution at nucleotide position 1666. The valine at codon 556 is replaced by leucine, an amino acid with highly similar properties. This amino acid position is well conserved in available vertebrate species. In addition, this alteration is predicted to be tolerated by in silico analysis. Based on the available evidence, the clinical significance of this variant remains unclear.